The following is an entry in ClinVar:

NM_000059.4(BRCA2):c.3337_3338del (p.Glu1113fs)

Gene: BRCA2 (BRCA2 DNA repair associated; plus strand). Cytogenetic location: 13q13.1.
Variant type: Deletion.
Coding change: c.3337_3338del on transcript NM_000059.4 (MANE Select); coding-DNA positions 3337 to 3338, 2 bases deleted (GA; older notation c.3337_3338delGA).
Protein change: p.Glu1113fs; shifts the reading frame from glutamic acid 1113.
Molecular consequence: frameshift variant.
Genome position (GRCh38, 1-based): chr13:32,337,692-32,337,693, GA deleted; deleting any 2 consecutive bases within chr13:32,337,691-32,337,693 gives the same sequence; the c. name uses the placement nearest the transcript's 3' end. VCF-style (leftmost placement, unchanged base first): chr13-32337690-CAG-C. GRCh37 (hg19) VCF-style: chr13-32911827-CAG-C.
Other names: 3565delGA; short protein forms E1113fs.
Identifiers: ClinVar variation 266747 (VCV000266747.5), dbSNP rs886040471, ClinGen allele CA10589199.

ClinVar aggregate classification (germline): Pathogenic. Review status: reviewed by expert panel (3 of 4 stars). 2 submissions from 2 submitters: Pathogenic (1). 1 of the submissions does not count toward it. Last evaluated 2016-10-18.

Conditions:
Breast-ovarian cancer, familial, susceptibility to, 2 (BROVCA2). Also called: BRCA2 Hereditary Breast and Ovarian Cancer. Identifiers: Orphanet 145, MedGen C2675520, MONDO:0012933, OMIM 612555. Disease mechanism: loss of function.

Submissions (2):

Evidence-based Network for the Interpretation of Germline Mutant Alleles (ENIGMA)
Classification: Pathogenic for Breast-ovarian cancer, familial, susceptibility to, 2. Last evaluated: 2016-10-18. Review status: reviewed by expert panel. Criteria: ENIGMA BRCA1/2 Classification Criteria (2015). Collection method: curation. Allele origin: germline.
Comment: Variant allele predicted to encode a truncated non-functional protein.

Consortium of Investigators of Modifiers of BRCA1/2 (CIMBA), c/o University of Cambridge
Classification: Pathogenic for Breast-ovarian cancer, familial, susceptibility to, 2. Last evaluated: 2015-10-02. Review status: criteria provided, single submitter. Criteria: CIMBA Mutation Classification guidelines May 2016. Collection method: clinical testing. Allele origin: germline. Not counted in ClinVar's aggregate classification.